The following is an entry in ClinVar:

NM_001605.3(AARS1):c.1799C>A (p.Pro600His)

Gene: AARS1 (alanyl-tRNA synthetase 1; minus strand). Cytogenetic location: 16q22.1.
Variant type: single nucleotide variant.
Coding change: c.1799C>A on transcript NM_001605.3 (MANE Select); coding-DNA position 1799, C replaced by A.
Protein change: p.Pro600His; replaces proline 600 with histidine.
Molecular consequence: missense variant.
Genome position (GRCh38, 1-based): chr16:70,259,173, G>T on the plus strand (C>A on the coding strand, the complement: AARS1 is on the minus strand). VCF-style: chr16-70259173-G-T. GRCh37 (hg19) VCF-style: chr16-70293076-G-T.
Other names: c.1799C>A (NM_001605.2); short protein forms P600H.
Identifiers: ClinVar variation 1000021 (VCV001000021.7), dbSNP rs1355373452, ClinGen allele CA396558415.

ClinVar aggregate classification (germline): Uncertain significance. Review status: criteria provided, multiple submitters, no conflicts (2 of 4 stars). 2 submissions from 2 submitters: Uncertain significance (2). Last evaluated 2025-08-14.

Conditions:
Inborn genetic diseases. Identifiers: MedGen C0950123, MeSH D030342.
Charcot-Marie-Tooth disease type 2. Also called: Charcot-Marie-Tooth type 2. Identifiers: Orphanet 64746, MedGen C0270914, MONDO:0018993.

Allele frequency attached by ClinVar (database versions not stated): TOPMed 0.00001; gnomAD exomes below 0.00001.
gnomAD v4.1: 2 of 1,614,088 alleles (0.00012%); highest among the groups gnomAD compares: Non-Finnish European, 0.00017%; no homozygotes.

Submissions (2):

Labcorp Genetics (formerly Invitae), Labcorp
Classification: Uncertain significance for Charcot-Marie-Tooth disease type 2. Last evaluated: 2025-08-14. Review status: criteria provided, single submitter. Criteria: Invitae Variant Classification Sherloc (09022015). Collection method: clinical testing. Allele origin: germline.
Comment: This sequence change replaces proline, which is neutral and non-polar, with histidine, which is basic and polar, at codon 600 of the AARS protein (p.Pro600His). This variant is not present in population databases (gnomAD no frequency). This variant has not been reported in the literature in individuals affected with AARS-related conditions. ClinVar contains an entry for this variant (Variation ID: 1000021). Invitae Evidence Modeling of protein sequence and biophysical properties (such as structural, functional, and spatial information, amino acid conservation, physicochemical variation, residue mobility, and thermodynamic stability) indicates that this missense variant is not expected to disrupt AARS protein function with a negative predictive value of 95%. In summary, the available evidence is currently insufficient to determine the role of this variant in disease. Therefore, it has been classified as a Variant of Uncertain Significance.

Ambry Genetics
Classification: Uncertain significance for Inborn genetic diseases. Last evaluated: 2025-03-03. Review status: criteria provided, single submitter. Criteria: Ambry Variant Classification Scheme 2023. Collection method: clinical testing. Allele origin: germline.